The following is an entry in ClinVar:

ClinVar aggregate classification (germline): Uncertain significance (1 of 4 stars; one submission).

Conditions:
Hereditary cancer-predisposing syndrome. Also called: Neoplastic Syndromes, Hereditary; Tumor predisposition; Hereditary Cancer Syndrome; Hereditary neoplastic syndrome. Identifiers: Orphanet 140162, MedGen C0027672, MeSH D009386, MONDO:0015356.

Submission:

Ambry Genetics
Classification: Uncertain significance for Hereditary cancer-predisposing syndrome. Last evaluated: 2019-09-11. Review status: criteria provided, single submitter. Criteria: Ambry Variant Classification Scheme 2023. Collection method: clinical testing. Allele origin: germline.
Comment: The c.1594_1595delGTinsCA variant (also known as p.V532Q), located in coding exon 11 of the NBN gene, results from an in-frame deletion of GT and insertion of CA at nucleotide positions 1594 to 1595. This results in the substitution of the valine residue for a glutamine residue at codon 532, an amino acid with similar properties. This amino acid position is poorly conserved in available vertebrate species. In addition, this alteration is predicted to be neutral by in silico analysis (Choi Y et al. PLoS ONE. 2012; 7(10):e46688). Since supporting evidence is limited at this time, the clinical significance of this alteration remains unclear.

NM_002485.5(NBN):c.1594_1595delinsCA (p.Val532Gln)

Gene: NBN (nibrin; minus strand). Cytogenetic location: 8q21.3.
Variant type: Indel.
Coding change: c.1594_1595delinsCA on transcript NM_002485.5 (MANE Select); coding-DNA positions 1594 to 1595, GT replaced by CA.
Protein change: p.Val532Gln; replaces valine 532 with glutamine.
Molecular consequence: missense variant.
Genome position (GRCh38, 1-based): chr8:89,953,494-89,953,495, AC replaced by TG on the plus strand (GT replaced by CA on the coding strand, the reverse complement: NBN is on the minus strand). VCF-style: chr8-89953494-AC-TG. GRCh37 (hg19) VCF-style: chr8-90965722-AC-TG.
Other names: c.1348_1349delinsCA, p.Val450Gln (NM_001024688.3); short protein forms V450Q, V532Q.
Identifiers: ClinVar variation 819624 (VCV000819624.4), dbSNP rs1586053803, ClinGen allele CA915945772.